The following is an entry in ClinVar:

ClinVar aggregate classification (germline): Pathogenic (1 of 4 stars; one submission).

Conditions:
Cleidocranial dysostosis (CLCD1). Also called: Marie-Sainton disease; cleidocranial dysplasia 1; Cleidocranial Dysplasia Spectrum Disorder. Identifiers: Orphanet 1452, MedGen C0008928, MONDO:0007340, OMIM 119600.

Submission:

Molecular Genetics Laboratory, Motol Hospital
Classification: Pathogenic for Cleidocranial dysostosis. Last evaluated: 2024-10-11. Review status: criteria provided, single submitter. Criteria: ACMG Guidelines, 2015. Collection method: clinical testing. Allele origin: germline. Affected: yes. Observed: 1 variant allele.

Literature cited by the submitters: PubMed 12132307; PubMed 15301373; PubMed 26279653; PubMed 11321595.

NM_001024630.4(RUNX2):c.436G>T (p.Gly146Ter)

Gene: RUNX2 (RUNX family transcription factor 2; plus strand). Cytogenetic location: 6p21.1.
Variant type: single nucleotide variant.
Coding change: c.436G>T on transcript NM_001024630.4 (MANE Select); coding-DNA position 436, G replaced by T.
Protein change: p.Gly146Ter; replaces glycine 146 with a stop codon.
Molecular consequence: nonsense.
Genome position (GRCh38, 1-based): chr6:45,431,875, G>T. VCF-style: chr6-45431875-G-T. GRCh37 (hg19) VCF-style: chr6-45399612-G-T.
Other names: c.436G>T, p.Gly146Ter (NM_001015051.4); c.394G>T, p.Gly132Ter (NM_001278478.2, NM_001369405.1); short protein forms G132*, G146*.
Identifiers: ClinVar variation 3362884 (VCV003362884.2).